The following continues an entry in ClinVar:

NM_001276345.2(TNNT2):c.418C>T (p.Arg140Cys)

Gene: TNNT2. ClinVar aggregate classification (germline): Pathogenic/Likely pathogenic. Pathogenic (12); Likely pathogenic (7).

Submissions 10 to 20 of 20:

Color Diagnostics, LLC DBA Color Health
Classification: Pathogenic for Cardiomyopathy. Last evaluated: 2024-08-05. Review status: criteria provided, single submitter. Criteria: ACMG Guidelines, 2015. Collection method: clinical testing. Allele origin: germline.
Comment: This missense variant replaces arginine with cysteine at codon 130 in the tropomyosin binding domain 1 of the TNNT2 protein. Computational prediction suggests that this variant may have deleterious impact on protein structure and function. In vitro and in vivo functional studies have shown that this variant impairs the function of the TNNT2 protein by causing increased calcium sensitivity, impaired relaxation and reduced cardiac output (PMID: 32581830, 32690703). This variant has been reported in multiple individuals affected with hypertrophic cardiomyopathy (PMID: 14636924, 15563892, 17456375, 23283745, 23494605, 25524337, 30297972, 30555609, 32481709, 35514357, 36291626). This variant has been shown to segregate with hypertrophic cardiomyopathy in multiple families (PMID: 14636924, 15563892, 18533079, 23283745, 23494605). This variant has not been identified in the general population by the Genome Aggregation Database (gnomAD). Based on the available evidence, this variant is classified as Pathogenic.

CHEO Genetics Diagnostic Laboratory, Children's Hospital of Eastern Ontario
Classification: Pathogenic for Cardiomyopathy. Last evaluated: 2023-05-16. Review status: criteria provided, single submitter. Criteria: ACMG Guidelines, 2015. Collection method: clinical testing. Allele origin: germline.

Genome-Nilou Lab
Classification: Likely pathogenic for Dilated cardiomyopathy 1D. Last evaluated: 2023-04-11. Review status: criteria provided, single submitter. Criteria: ACMG Guidelines, 2015. Collection method: clinical testing. Allele origin: germline. Affected: no.

Genome-Nilou Lab
Classification: Likely pathogenic for Cardiomyopathy, familial restrictive, 3. Last evaluated: 2023-04-11. Review status: criteria provided, single submitter. Criteria: ACMG Guidelines, 2015. Collection method: clinical testing. Allele origin: germline. Affected: no.

Genome-Nilou Lab
Classification: Likely pathogenic for Hypertrophic cardiomyopathy 2. Last evaluated: 2023-04-11. Review status: criteria provided, single submitter. Criteria: ACMG Guidelines, 2015. Collection method: clinical testing. Allele origin: germline. Affected: no.

Fulgent Genetics
Classification: Pathogenic for Hypertrophic cardiomyopathy 2; Dilated cardiomyopathy 1D; Cardiomyopathy, familial restrictive, 3. Last evaluated: 2022-02-04. Review status: criteria provided, single submitter. Criteria: ACMG Guidelines, 2015. Collection method: clinical testing. Allele origin: unknown.

Mayo Clinic Laboratories, Mayo Clinic
Classification: Pathogenic. Last evaluated: 2021-05-20. Review status: criteria provided, single submitter. Criteria: ACMG Guidelines, 2015. Collection method: clinical testing. Allele origin: germline.
Comment: PS3, PP1_strong, PS4_moderate, PM2_supporting, PM3_supporting, PP3

Laboratory for Molecular Medicine, Mass General Brigham Personalized Medicine
Classification: Pathogenic for Hypertrophic cardiomyopathy. Last evaluated: 2019-02-01. Review status: criteria provided, single submitter. Criteria: LMM Criteria. Collection method: clinical testing. Allele origin: germline. Inheritance: Autosomal dominant inheritance. Observed: 4 variant alleles.
Comment: The p.Arg130Cys variant in TNNT2 (ClinVar variation ID: 43636) has been reported in at least 8 families with hypertrophic cardiomyopathy (HCM) and segregated with disease in at least 8 individuals across these families (Fujita 2013, Koga 1996, Olivotto 2008, Song 2005, Torricelli 2003, Zou 2013). This variant was absent from large population studies. In vitro functional studies provide some evidence that the p.Arg130Cys variant may impact protein function (Harada 2004, Gangadharan 2017). However, these types of assays may not accurately represent biological function. Computational prediction tools and conservation analysis suggest that the p.Arg130Cys variant may impact the protein, though this information is not predictive enough to determine pathogenicity. In summary, this variant meets criteria to be classified as pathogenic for HCM in an autosomal dominant manner based upon segregation studies, absence from controls, and functional evidence. ACMG/AMP criteria applied: PP1_Strong, PM2, PS4_Moderate, PP3, PS3_Supporting.

Stanford Center for Inherited Cardiovascular Disease, Stanford University
Classification: Likely pathogenic. Last evaluated: 2015-05-01. Review status: criteria provided, single submitter. Criteria: ACMG Guidelines, 2015. Collection method: provider interpretation. Allele origin: germline.

Juno Genomics, Hangzhou Juno Genomics, Inc
Classification: Likely pathogenic for Hypertrophic cardiomyopathy 2. Review status: criteria provided, single submitter. Criteria: ACMG Guidelines, 2015. Collection method: clinical testing. Allele origin: germline.
Comment: Absent from controls (or at extremely low frequency if recessive) in Genome Aggregation Database.;Co-segregation with disease in multiple affected family members.;Multiple lines of computational evidence support a deleterious effect on the gene or gene product.;Located in a mutational hot spot and/or critical and well-established functional domain without benign variation.

Prenatal Diagnostic Center, Guangzhou Women and Children's Medical Center
Classification: Likely pathogenic for Hypertrophic cardiomyopathy 2. Last evaluated: 2022-09-08. Review status: no assertion criteria provided. Collection method: clinical testing. Allele origin: paternal. Affected: no. Not counted in ClinVar's aggregate classification.

Literature cited by the submitters: PubMed 14722098 (cited by 3 submitters); PubMed 15563892 (cited by 8 submitters); PubMed 23283745 (cited by 5 submitters); PubMed 23494605 (cited by 5 submitters); PubMed 26914223 (cited by 3 submitters); PubMed 27532257 (cited by Ambry Genetics and Mayo Clinic Laboratories, Mayo Clinic); PubMed 28193612 (cited by Ambry Genetics); PubMed 30555609 (cited by 3 submitters); PubMed 36204818 (cited by Ambry Genetics); PubMed 37089884 (cited by Ambry Genetics); PubMed 38456273 (cited by Ambry Genetics); PubMed 8951566 (cited by 3 submitters); PubMed 27885498 (cited by Women's Health and Genetics/Laboratory Corporation of America, LabCorp); PubMed 28973951 (cited by 4 submitters); PubMed 14636924 (cited by 4 submitters); PubMed 17456375 (cited by 4 submitters); PubMed 25524337 (cited by 5 submitters); PubMed 21310275 (cited by Labcorp Genetics (formerly Invitae), Labcorp); PubMed 26507537 (cited by Victorian Clinical Genetics Services, Murdoch Childrens Research Institute); PubMed 32098556 (cited by Victorian Clinical Genetics Services, Murdoch Childrens Research Institute); PubMed 33025817 (cited by Victorian Clinical Genetics Services, Murdoch Childrens Research Institute); PubMed 18612386 (cited by Victorian Clinical Genetics Services, Murdoch Childrens Research Institute); PubMed 18533079 (cited by 3 submitters); PubMed 30297972 (cited by Color Diagnostics, LLC DBA Color Health and Mayo Clinic Laboratories, Mayo Clinic); PubMed 32481709 (cited by Color Diagnostics, LLC DBA Color Health); PubMed 32581830 (cited by Color Diagnostics, LLC DBA Color Health and Mayo Clinic Laboratories, Mayo Clinic); PubMed 32690703 (cited by Color Diagnostics, LLC DBA Color Health and Mayo Clinic Laboratories, Mayo Clinic); PubMed 35514357 (cited by Color Diagnostics, LLC DBA Color Health); PubMed 36291626 (cited by Color Diagnostics, LLC DBA Color Health); PubMed 28420666 (cited by Laboratory for Molecular Medicine, Mass General Brigham Personalized Medicine).